The following is an entry in ClinVar:

NM_002180.3(IGHMBP2):c.86+2T>C

Gene: IGHMBP2 (immunoglobulin mu DNA binding protein 2; plus strand). Cytogenetic location: 11q13.3.
Variant type: single nucleotide variant.
Coding change: c.86+2T>C on transcript NM_002180.3 (MANE Select); the canonical splice donor site of the intron after coding-DNA position 86, T replaced by C.
Molecular consequence: splice donor variant.
Genome position (GRCh38, 1-based): chr11:68,904,040, T>C. VCF-style: chr11-68904040-T-C. GRCh37 (hg19) VCF-style: chr11-68671508-T-C.
Identifiers: ClinVar variation 3234847 (VCV003234847.1), dbSNP rs2495930049, ClinGen allele CA381641544.

ClinVar aggregate classification (germline): Likely pathogenic (1 of 4 stars; one submission).

Conditions:
Autosomal recessive distal spinal muscular atrophy 1. Also called: HMN VI; NEURONOPATHY, SEVERE INFANTILE AXONAL, WITH RESPIRATORY FAILURE; SEVERE INFANTILE AXONAL NEUROPATHY WITH RESPIRATORY FAILURE; SPINAL MUSCULAR ATROPHY, DIAPHRAGMATIC; Spinal muscular atrophy with respiratory distress 1; NEURONOPATHY, DISTAL HEREDITARY MOTOR, HARDING TYPE VI. Identifiers: Orphanet 98920, MedGen C1858517, MONDO:0011436, OMIM 604320.

Allele frequency attached by ClinVar (database versions not stated): gnomAD exomes below 0.00001.
gnomAD v4.1: 1 of 1,548,584 alleles (0.000065%); highest among the groups gnomAD compares: South Asian, 0.0012%; no homozygotes.

Submission:

Neuberg Centre For Genomic Medicine, NCGM
Classification: Likely pathogenic for Autosomal recessive distal spinal muscular atrophy 1. Review status: criteria provided, single submitter. Criteria: ACMG Guidelines, 2015. Collection method: clinical testing. Allele origin: germline. Inheritance: Autosomal recessive inheritance. Affected: yes.
Comment: The splice donor c.86+2T>C variant in IGHMBP2 gene has not been reported previously as a pathogenic variant nor as a benign variant, to our knowledge. The c.86+2T>C variant is novel not in any individuals in gnomAD Exomes and 1000 Genomes. The variant affects the GT donor splice site downstream of exon 1. This variant is predicted to cause loss of normal protein function through protein truncation. Loss of function variants have been previously reported to be disease causing. For these reasons, this variant has been classified as Likely Pathogenic.